The following is an entry in ClinVar:

ClinVar aggregate classification (germline): Conflicting classifications of pathogenicity. Review status: criteria provided, conflicting classifications (1 of 4 stars). 6 submissions from 6 submitters: Uncertain significance (5); Likely benign (1). Last evaluated 2026-06-12.

Conditions:
Cardiomyopathy, dilated, 2E. Identifiers: MedGen C5561970, MONDO:0030366, OMIM 619492.
Hypertrophic cardiomyopathy 17. Identifiers: MedGen C3151264, MONDO:0013474, OMIM 613873.
JPH2-related disorder. Also called: JPH2-related condition.
Cardiovascular phenotype. Identifiers: MedGen CN230736.
Hypertrophic cardiomyopathy. Also called: HYPERTROPHIC MYOCARDIOPATHY. Identifiers: Orphanet 217569, MedGen C0007194, MeSH D002312, MONDO:0005045, HP:0001639.

Allele frequency attached by ClinVar (database versions not stated): ExAC 0.00001; gnomAD 0.00001; gnomAD exomes 0.00002; TOPMed 0.00002.
gnomAD v4.1: 28 of 1,613,820 alleles (0.0017%); highest among the groups gnomAD compares: Non-Finnish European, 0.0022%; no homozygotes.

Submissions (6):

PreventionGenetics, part of Exact Sciences
Classification: Uncertain significance for JPH2-related condition. Last evaluated: 2026-06-12. Review status: criteria provided, single submitter. Criteria: ACMG Guidelines, 2015. Collection method: clinical testing. Allele origin: germline.
Comment: The JPH2 c.226A>G variant is predicted to result in the amino acid substitution p.Thr76Ala. To our knowledge, this variant has not been reported in the literature in individuals with JPH2-related disorders. This variant is reported in 0.0040% of alleles in individuals of African descent in gnomAD. At this time, the clinical significance of this variant is uncertain due to the absence of conclusive functional and genetic evidence.

Labcorp Genetics (formerly Invitae), Labcorp
Classification: Uncertain significance for Hypertrophic cardiomyopathy. Last evaluated: 2025-10-27. Review status: criteria provided, single submitter. Criteria: Invitae Variant Classification Sherloc (09022015). Collection method: clinical testing. Allele origin: germline.
Comment: This sequence change replaces threonine, which is neutral and polar, with alanine, which is neutral and non-polar, at codon 76 of the JPH2 protein (p.Thr76Ala). This variant is present in population databases (rs764474492, gnomAD 0.004%). This variant has not been reported in the literature in individuals affected with JPH2-related conditions. ClinVar contains an entry for this variant (Variation ID: 451220). An algorithm developed to predict the effect of missense changes on protein structure and function (PolyPhen-2) suggests that this variant is likely to be disruptive. In summary, the available evidence is currently insufficient to determine the role of this variant in disease. Therefore, it has been classified as a Variant of Uncertain Significance.

Ambry Genetics
Classification: Uncertain significance for Cardiovascular phenotype. Last evaluated: 2025-02-14. Review status: criteria provided, single submitter. Criteria: Ambry Variant Classification Scheme 2023. Collection method: clinical testing. Allele origin: germline.
Comment: The p.T76A variant (also known as c.226A>G), located in coding exon 1 of the JPH2 gene, results from an A to G substitution at nucleotide position 226. The threonine at codon 76 is replaced by alanine, an amino acid with similar properties. This amino acid position is highly conserved in available vertebrate species. In addition, this alteration is predicted to be tolerated by in silico analysis. Based on the available evidence, the clinical significance of this variant remains unclear.

Blueprint Genetics
Classification: Likely benign. Last evaluated: 2023-04-19. Review status: criteria provided, single submitter. Criteria: ACMG Guidelines, 2015. Collection method: clinical testing. Allele origin: germline.

Fulgent Genetics
Classification: Uncertain significance for Hypertrophic cardiomyopathy 17; Cardiomyopathy, dilated, 2E. Last evaluated: 2021-12-20. Review status: criteria provided, single submitter. Criteria: ACMG Guidelines, 2015. Collection method: clinical testing. Allele origin: unknown.

GeneDx
Classification: Uncertain significance. Last evaluated: 2017-08-08. Review status: criteria provided, single submitter. Criteria: GeneDx Variant Classification (06012015). Collection method: clinical testing. Allele origin: germline. Affected: yes.
Comment: A variant of uncertain significance has been identified in the JPH2 gene. The T76A variant has not been published as pathogenic or been reported as benign to our knowledge. This variant is also not observed at a significant frequency in large population cohorts (Lek et al., 2016; 1000 Genomes Consortium et al., 2015; Exome Variant Server). The T76A variant is a non-conservative amino acid substitution, which is likely to impact secondary protein structure as these residues differ in polarity, charge, size and/or other properties. Additionally, this substitution occurs at a position that is conserved across species and in silico analysis predicts this variant is probably damaging to the protein structure/function. Nevertheless, this variant has not been observed in a significant number of affected individuals, and it lacks both segregation and functional studies, which would further clarify its pathogenicity.

NM_020433.5(JPH2):c.226A>G (p.Thr76Ala)

Gene: JPH2 (junctophilin 2; minus strand). Cytogenetic location: 20q13.12.
Variant type: single nucleotide variant.
Coding change: c.226A>G on transcript NM_020433.5 (MANE Select); coding-DNA position 226, A replaced by G.
Protein change: p.Thr76Ala; replaces threonine 76 with alanine.
Molecular consequence: missense variant.
Genome position (GRCh38, 1-based): chr20:44,186,480, T>C on the plus strand (A>G on the coding strand, the complement: JPH2 is on the minus strand). VCF-style: chr20-44186480-T-C. GRCh37 (hg19) VCF-style: chr20-42815120-T-C.
Other names: c.226A>G, p.Thr76Ala (NM_175913.4); short protein forms T76A.
Identifiers: ClinVar variation 451220 (VCV000451220.12), dbSNP rs764474492, ClinGen allele CA9868910.
Genomic context (GRCh38, chr20:44,186,480, plus strand): 5'-TTCCGTAGCGTCCCTTGAAGCCATGTGTCCACTCGCCCTTGTAGAGCCAGCGCCCCTTGG[T>C]CTCTATGCCCAGCCCATGCCGTTTGCCCTGGCTCCAGTATCCCTCAAAGGTGTTTCCGCT-3'
Protein context (NP_065166.2, residues 66-86): QGKRHGLGIE[Thr76Ala]KGRWLYKGEW